The following is an entry in ClinVar:

NM_000539.3(RHO):c.679G>A (p.Val227Ile)

Gene: RHO (rhodopsin; plus strand). Cytogenetic location: 3q22.1.
Variant type: single nucleotide variant.
Coding change: c.679G>A on transcript NM_000539.3 (MANE Select); coding-DNA position 679, G replaced by A.
Protein change: p.Val227Ile; replaces valine 227 with isoleucine.
Molecular consequence: missense variant.
Genome position (GRCh38, 1-based): chr3:129,532,399, G>A. VCF-style: chr3-129532399-G-A. GRCh37 (hg19) VCF-style: chr3-129251242-G-A.
Other names: short protein forms V227I.
Identifiers: ClinVar variation 1939343 (VCV001939343.6), dbSNP rs781465927, ClinGen allele CA2607238.

ClinVar aggregate classification (germline): Uncertain significance. Review status: criteria provided, multiple submitters, no conflicts (2 of 4 stars). 2 submissions from 2 submitters: Uncertain significance (2). Last evaluated 2023-12-06.

Allele frequency attached by ClinVar (database versions not stated): TOPMed 0.00001; ExAC 0.00003.
gnomAD v4.1: 17 of 1,613,814 alleles (0.0011%); highest among the groups gnomAD compares: Non-Finnish European, 0.0011%; no homozygotes.

Submissions (2):

Labcorp Genetics (formerly Invitae), Labcorp
Classification: Uncertain significance. Last evaluated: 2023-12-06. Review status: criteria provided, single submitter. Criteria: Invitae Variant Classification Sherloc (09022015). Collection method: clinical testing. Allele origin: germline.
Comment: This sequence change replaces valine, which is neutral and non-polar, with isoleucine, which is neutral and non-polar, at codon 227 of the RHO protein (p.Val227Ile). This variant is present in population databases (rs781465927, gnomAD 0.004%). This variant has not been reported in the literature in individuals affected with RHO-related conditions. ClinVar contains an entry for this variant (Variation ID: 1939343). Advanced modeling of protein sequence and biophysical properties (such as structural, functional, and spatial information, amino acid conservation, physicochemical variation, residue mobility, and thermodynamic stability) performed at Invitae indicates that this missense variant is not expected to disrupt RHO protein function with a negative predictive value of 80%. In summary, the available evidence is currently insufficient to determine the role of this variant in disease. Therefore, it has been classified as a Variant of Uncertain Significance.

Blueprint Genetics
Classification: Uncertain significance. Last evaluated: 2023-01-16. Review status: criteria provided, single submitter. Criteria: ACMG Guidelines, 2015. Collection method: clinical testing. Allele origin: germline.